The following is an entry in ClinVar:

ClinVar aggregate classification (germline): Uncertain significance (1 of 4 stars; one submission).

gnomAD v4.1: 38 of 1,613,952 alleles (0.0024%); highest among the groups gnomAD compares: Admixed American, 0.0067%; no homozygotes.

Submission:

Labcorp Genetics (formerly Invitae), Labcorp
Classification: Uncertain significance. Last evaluated: 2025-06-11. Review status: criteria provided, single submitter. Criteria: Invitae Variant Classification Sherloc (09022015). Collection method: clinical testing. Allele origin: germline.
Comment: This sequence change replaces alanine, which is neutral and non-polar, with threonine, which is neutral and polar, at codon 455 of the DSCAML1 protein (p.Ala455Thr). This variant is present in population databases (rs148882662, gnomAD 0.01%). This variant has not been reported in the literature in individuals affected with DSCAML1-related conditions. ClinVar contains an entry for this variant (Variation ID: 2161301). An algorithm developed to predict the effect of missense changes on protein structure and function (PolyPhen-2) suggests that this variant is likely to be tolerated. In summary, the available evidence is currently insufficient to determine the role of this variant in disease. Therefore, it has been classified as a Variant of Uncertain Significance.

NM_020693.4(DSCAML1):c.1183G>A (p.Ala395Thr)

Gene: DSCAML1 (DS cell adhesion molecule like 1; minus strand). Cytogenetic location: 11q23.3.
Variant type: single nucleotide variant.
Coding change: c.1183G>A on transcript NM_020693.4 (MANE Select); coding-DNA position 1183, G replaced by A.
Protein change: p.Ala395Thr; replaces alanine 395 with threonine.
Molecular consequence: missense variant.
Genome position (GRCh38, 1-based): chr11:117,521,160, C>T on the plus strand (G>A on the coding strand, the complement: DSCAML1 is on the minus strand). VCF-style: chr11-117521160-C-T. GRCh37 (hg19) VCF-style: chr11-117391875-C-T.
Other names: c.1183G>A, p.Ala395Thr (NM_001367904.1); c.775G>A, p.Ala259Thr (NM_001367905.1); short protein forms A395T, A259T.
Identifiers: ClinVar variation 2161301 (VCV002161301.4), dbSNP rs148882662, ClinGen allele CA6297346.